The following is an entry in ClinVar:

ClinVar aggregate classification (germline): Pathogenic (1 of 4 stars; one submission).

Conditions:
X-linked myopathy with postural muscle atrophy. Also called: FHL1-Related Emery-Dreifuss Muscular Dystrophy, X-Linked. Identifiers: Orphanet 178461, MedGen C2678055, MONDO:0010401, OMIM 300696.

Submission:

Labcorp Genetics (formerly Invitae), Labcorp
Classification: Pathogenic for X-linked myopathy with postural muscle atrophy. Last evaluated: 2023-10-03. Review status: criteria provided, single submitter. Criteria: Invitae Variant Classification Sherloc (09022015). Collection method: clinical testing. Allele origin: germline.
Comment: This sequence change results in a frameshift in the FHL1 gene (p.Cys273Ilefs*18). While this is not anticipated to result in nonsense mediated decay, it is expected to disrupt the last 8 amino acid(s) of the FHL1 protein and extend the protein by 9 additional amino acid residues. This variant is not present in population databases (gnomAD no frequency). This variant has not been reported in the literature in individuals affected with FHL1-related conditions. ClinVar contains an entry for this variant (Variation ID: 1506742). This variant disrupts a region of the FHL1 protein in which other variant(s) (p.Cys276Tyr) have been determined to be pathogenic (PMID: 19716112, 22523091, 24634512). This suggests that this is a clinically significant region of the protein, and that variants that disrupt it are likely to be disease-causing. For these reasons, this variant has been classified as Pathogenic.

Literature cited by the submitters: PubMed 19716112; PubMed 22523091; PubMed 24634512.

NM_001159699.2(FHL1):c.863_864dup (p.Cys289fs)

Gene: FHL1 (four and a half LIM domains 1; plus strand). Cytogenetic location: Xq26.3.
Variant type: Duplication.
Coding change: c.863_864dup on transcript NM_001159699.2 (MANE Select); coding-DNA positions 863 to 864, 2 bases duplicated (AT; older notation c.863_864dupAT).
Protein change: p.Cys289fs; shifts the reading frame from cysteine 289.
Molecular consequence: frameshift variant. On other transcripts: 3 prime UTR variant (6), non-coding transcript variant (1).
Genome position (GRCh38, 1-based): chrX:136,209,997-136,209,998, AT duplicated; duplicating any 2 consecutive bases within chrX:136,209,996-136,209,998 gives the same sequence; the c. name uses the placement nearest the transcript's 3' end. VCF-style (leftmost placement, unchanged base first): chrX-136209995-G-GTA. GRCh37 (hg19) VCF-style: chrX-135292154-G-GTA.
Other names: c.815_816dup, p.Cys273fs (NM_001159700.2, NM_001159704.1, NM_001167819.1 and 4 more transcripts); c.902_903dup, p.Cys302fs (NM_001159701.2); c.*43_*44dup (NM_001159702.3, NM_001159703.2, NM_001330659.2 and 3 more transcripts); short protein forms C289fs, C302fs, C273fs.
Identifiers: ClinVar variation 1506742 (VCV001506742.8), dbSNP rs2148383945, ClinGen allele CA2573159252.